The following is an entry in ClinVar:

ClinVar aggregate classification (germline): Uncertain significance (1 of 4 stars; one submission).

Conditions:
Cardiovascular phenotype. Identifiers: MedGen CN230736.

gnomAD v4.1: 1 of 1,556,980 alleles (0.000064%); highest among the groups gnomAD compares: Non-Finnish European, 0.000086%; no homozygotes.

Submission:

Ambry Genetics
Classification: Uncertain significance for Cardiovascular phenotype. Last evaluated: 2024-07-14. Review status: criteria provided, single submitter. Criteria: Ambry Variant Classification Scheme 2023. Collection method: clinical testing. Allele origin: germline.
Comment: The p.A539V variant (also known as c.1616C>T), located in coding exon 4 of the JPH2 gene, results from a C to T substitution at nucleotide position 1616. The alanine at codon 539 is replaced by valine, an amino acid with similar properties. This amino acid position is conserved. In addition, this alteration is predicted to be tolerated by in silico analysis. Based on the available evidence, the clinical significance of this variant remains unclear.

NM_020433.5(JPH2):c.1616C>T (p.Ala539Val)

Gene: JPH2 (junctophilin 2; minus strand). Cytogenetic location: 20q13.12.
Variant type: single nucleotide variant.
Coding change: c.1616C>T on transcript NM_020433.5 (MANE Select); coding-DNA position 1616, C replaced by T.
Protein change: p.Ala539Val; replaces alanine 539 with valine.
Molecular consequence: missense variant.
Genome position (GRCh38, 1-based): chr20:44,116,059, G>A on the plus strand (C>T on the coding strand, the complement: JPH2 is on the minus strand). VCF-style: chr20-44116059-G-A. GRCh37 (hg19) VCF-style: chr20-42744699-G-A.
Other names: short protein forms A539V.
Identifiers: ClinVar variation 3531476 (VCV003531476.1).